The following is an entry in ClinVar:

NM_130384.3(ATRIP):c.455C>T (p.Thr152Met)

Genes: ATRIP (ATR interacting protein; plus strand), ATRIP-TREX1 (ATRIP-TREX1 readthrough; plus strand). Cytogenetic location: 3p21.31.
Variant type: single nucleotide variant.
Coding change: c.455C>T on transcript NM_130384.3 (MANE Select); coding-DNA position 455, C replaced by T.
Protein change: p.Thr152Met; replaces threonine 152 with methionine.
Molecular consequence: missense variant. On other transcripts: non-coding transcript variant (1).
Genome position (GRCh38, 1-based): chr3:48,451,802, C>T. VCF-style: chr3-48451802-C-T. GRCh37 (hg19) VCF-style: chr3-48493208-C-T.
Other names: c.74C>T, p.Thr25Met (NM_001271022.2); c.176C>T, p.Thr59Met (NM_001271023.2); c.455C>T, p.Thr152Met (NM_032166.4); short protein forms T59M, T152M, T25M.
Identifiers: ClinVar variation 3810155 (VCV003810155.1).

ClinVar aggregate classification (germline): Uncertain significance (1 of 4 stars; one submission).

gnomAD v4.1: 18 of 1,612,456 alleles (0.0011%); highest among the groups gnomAD compares: Admixed American, 0.012%; no homozygotes.

Submission:

Ambry Genetics
Classification: Uncertain significance. Last evaluated: 2025-01-27. Review status: criteria provided, single submitter. Criteria: Ambry Variant Classification Scheme 2023. Collection method: clinical testing. Allele origin: germline.
Comment: The p.T152M variant (also known as c.455C>T), located in coding exon 3 of the ATRIP gene, results from a C to T substitution at nucleotide position 455. The threonine at codon 152 is replaced by methionine, an amino acid with similar properties. This amino acid position is conserved. In addition, this alteration is predicted to be tolerated by in silico analysis. Based on the available evidence, the clinical significance of this variant remains unclear.